The following is an entry in ClinVar:

NM_015450.3(POT1):c.871G>A (p.Asp291Asn)

Gene: POT1 (protection of telomeres 1; minus strand). Cytogenetic location: 7q31.33.
Variant type: single nucleotide variant.
Coding change: c.871G>A on transcript NM_015450.3 (MANE Select); coding-DNA position 871, G replaced by A.
Protein change: p.Asp291Asn; replaces aspartic acid 291 with asparagine.
Molecular consequence: missense variant. On other transcripts: non-coding transcript variant (3).
Genome position (GRCh38, 1-based): chr7:124,851,950, C>T on the plus strand (G>A on the coding strand, the complement: POT1 is on the minus strand). VCF-style: chr7-124851950-C-T. GRCh37 (hg19) VCF-style: chr7-124492004-C-T.
Other names: c.478G>A, p.Asp160Asn (NM_001042594.2); short protein forms D291N, D160N.
Identifiers: ClinVar variation 1764439 (VCV001764439.4), dbSNP rs2485437367, ClinGen allele CA369054543.

ClinVar aggregate classification (germline): Uncertain significance (1 of 4 stars; one submission).

Conditions:
Hereditary cancer-predisposing syndrome. Also called: Neoplastic Syndromes, Hereditary; Tumor predisposition; Hereditary Cancer Syndrome; Hereditary neoplastic syndrome. Identifiers: Orphanet 140162, MedGen C0027672, MeSH D009386, MONDO:0015356.

Submission:

Ambry Genetics
Classification: Uncertain significance for Hereditary cancer-predisposing syndrome. Last evaluated: 2026-04-13. Review status: criteria provided, single submitter. Criteria: Ambry Variant Classification Scheme 2023. Collection method: clinical testing. Allele origin: germline.
Comment: The p.D291N variant (also known as c.871G>A), located in coding exon 7 of the POT1 gene, results from a G to A substitution at nucleotide position 871. The aspartic acid at codon 291 is replaced by asparagine, an amino acid with highly similar properties. This variant was identified in one or more individuals with personal and/or family history of melanoma and segregated with disease in at least one family (Ambry internal data). This amino acid position is poorly conserved in available vertebrate species. In addition, this alteration is predicted to be tolerated by in silico analysis. Based on the available evidence, the clinical significance of this variant remains unclear.